The following is an entry in ClinVar:

ClinVar aggregate classification (germline): Conflicting classifications of pathogenicity. Review status: criteria provided, conflicting classifications (1 of 4 stars). 2 submissions from 2 submitters: Pathogenic (1); Uncertain significance (1). Last evaluated 2026-07-06.

Conditions:
Glycine encephalopathy. Also called: Non-ketotic hyperglycinemia; Nonketotic hyperglycinemia. Identifiers: Orphanet 407, MedGen C0751748, MONDO:0011612, HP:0008288.
Glycine encephalopathy 1 (GCE1). Identifiers: MedGen CN376801, MONDO:0958179, OMIM 605899.

gnomAD v4.1: 1 of 1,612,530 alleles (0.000062%); no homozygotes.

Submissions (2):

Myriad Genetics, Inc.
Classification: Uncertain significance for Glycine encephalopathy 1. Last evaluated: 2026-07-06. Review status: criteria provided, single submitter. Criteria: Myriad Autosomal Dominant, Autosomal Recessive and X-Linked Classification Criteria (2023). Collection method: clinical testing. Allele origin: unknown.
Comment: NM_000170.2(GLDC):c.2596G>C(D866H) is a missense variant classified as a variant of uncertain significance in the context of glycine encephalopathy, GLDC-related. D866H has been observed in a case with relevant disease (PMID: 28244183). Relevant functional assessments of this variant are available in the literature (PMID: 28244183). D866H has not been observed in referenced population frequency databases. In summary, there is insufficient evidence to classify NM_000170.2(GLDC):c.2596G>C(D866H) as pathogenic or benign. Please note: this variant was assessed in the context of healthy population screening.

Labcorp Genetics (formerly Invitae), Labcorp
Classification: Pathogenic for Glycine encephalopathy. Last evaluated: 2022-12-20. Review status: criteria provided, single submitter. Criteria: Invitae Variant Classification Sherloc (09022015). Collection method: clinical testing. Allele origin: germline.
Comment: Advanced modeling of protein sequence and biophysical properties (such as structural, functional, and spatial information, amino acid conservation, physicochemical variation, residue mobility, and thermodynamic stability) performed at Invitae indicates that this missense variant is expected to disrupt GLDC protein function. Experimental studies have shown that this missense change affects GLDC function (PMID: 28244183). For these reasons, this variant has been classified as Pathogenic. ClinVar contains an entry for this variant (Variation ID: 1073875). This sequence change replaces aspartic acid, which is acidic and polar, with histidine, which is basic and polar, at codon 866 of the GLDC protein (p.Asp866His). This variant is not present in population databases (gnomAD no frequency). This missense change has been observed in individual(s) with glycine encephalopathy (PMID: 27362913). In at least one individual the data is consistent with being in trans (on the opposite chromosome) from a pathogenic variant.

Literature cited by the submitters: PubMed 28244183 (cited by Myriad Genetics, Inc. and Labcorp Genetics (formerly Invitae), Labcorp); PubMed 27362913 (cited by Labcorp Genetics (formerly Invitae), Labcorp).

NM_000170.3(GLDC):c.2596G>C (p.Asp866His)

Gene: GLDC (glycine decarboxylase; minus strand). Cytogenetic location: 9p24.1.
Variant type: single nucleotide variant.
Coding change: c.2596G>C on transcript NM_000170.3 (MANE Select); coding-DNA position 2596, G replaced by C.
Protein change: p.Asp866His; replaces aspartic acid 866 with histidine.
Molecular consequence: missense variant.
Genome position (GRCh38, 1-based): chr9:6,540,120, C>G on the plus strand (G>C on the coding strand, the complement: GLDC is on the minus strand). VCF-style: chr9-6540120-C-G. GRCh37 (hg19) VCF-style: chr9-6540120-C-G.
Other names: short protein forms D866H.
Identifiers: ClinVar variation 1073875 (VCV001073875.10), dbSNP rs2129663304, ClinGen allele CA372883706.